The following is an entry in ClinVar:

ClinVar aggregate classification (germline): Uncertain significance (1 of 4 stars; one submission).

gnomAD v4.1: 1 of 1,614,224 alleles (0.000062%); highest among the groups gnomAD compares: South Asian, 0.0011%; no homozygotes.

Submission:

Ambry Genetics
Classification: Uncertain significance. Last evaluated: 2024-06-21. Review status: criteria provided, single submitter. Criteria: Ambry Variant Classification Scheme 2023. Collection method: clinical testing. Allele origin: germline.
Comment: The p.K1260R variant (also known as c.3779A>G), located in coding exon 4 of the ALPK2 gene, results from an A to G substitution at nucleotide position 3779. The lysine at codon 1260 is replaced by arginine, an amino acid with highly similar properties. This amino acid position is conserved. In addition, this alteration is predicted to be tolerated by in silico analysis. Based on the available evidence, the clinical significance of this variant remains unclear.

NM_052947.4(ALPK2):c.3779A>G (p.Lys1260Arg)

Genes: ALPK2 (alpha kinase 2; minus strand), LOC126862764 (BRD4-independent group 4 enhancer GRCh37_chr18:56202574-56203773; plus strand). Cytogenetic location: 18q21.31.
Variant type: single nucleotide variant.
Coding change: c.3779A>G on transcript NM_052947.4 (MANE Select); coding-DNA position 3779, A replaced by G.
Protein change: p.Lys1260Arg; replaces lysine 1260 with arginine.
Molecular consequence: missense variant.
Genome position (GRCh38, 1-based): chr18:58,536,408, T>C on the plus strand (A>G on the coding strand, the complement: ALPK2 is on the minus strand). VCF-style: chr18-58536408-T-C. GRCh37 (hg19) VCF-style: chr18-56203640-T-C.
Other names: short protein forms K1260R.
Identifiers: ClinVar variation 3290811 (VCV003290811.1).
Genomic context (GRCh38, chr18:58,536,408, plus strand): 5'-TTTAGACTATCAGGTACAGCCCAGACCTTGTCAGGAATTATGAGACCACCGTCTGATGCC[T>C]TGCTCTCAGAATTTGTCAGTTGTCGTGGTGGCCAGATTTCAGAAGCGGAAGCCTCTAGAG-3'
Protein context (NP_443179.3, residues 1250-1270): PPRQLTNSES[Lys1260Arg]ASDGGLIIPD